The following is an entry in ClinVar:

ClinVar aggregate classification (germline): Likely benign. Review status: criteria provided, multiple submitters, no conflicts (2 of 4 stars). 2 submissions from 2 submitters: Likely benign (2). Last evaluated 2025-01-06.

Conditions:
Cohen syndrome (COH1). Also called: PEPPER SYNDROME; Cutis verticis gyrata, retinitis pigmentosa, and sensorineural deafness. Identifiers: Orphanet 193, MedGen C0265223, MONDO:0008999, OMIM 216550.
VPS13B-related disorder. Also called: VPS13B-related condition.

gnomAD v4.1: 2 of 1,612,150 alleles (0.00012%); highest among the groups gnomAD compares: Non-Finnish European, 0.00017%; no homozygotes.

Submissions (2):

PreventionGenetics, part of Exact Sciences
Classification: Likely benign for VPS13B-related condition. Last evaluated: 2025-01-06. Review status: criteria provided, single submitter. Criteria: ACMG Guidelines, 2015. Collection method: clinical testing. Allele origin: germline.
Comment: This variant is classified as likely benign based on ACMG/AMP sequence variant interpretation guidelines (Richards et al. 2015 PMID: 25741868, with internal and published modifications).

Labcorp Genetics (formerly Invitae), Labcorp
Classification: Likely benign for Cohen syndrome. Last evaluated: 2024-08-21. Review status: criteria provided, single submitter. Criteria: Invitae Variant Classification Sherloc (09022015). Collection method: clinical testing. Allele origin: germline.

NM_152564.5(VPS13B):c.6046+8A>G

Gene: VPS13B (vacuolar protein sorting 13 homolog B; plus strand). Cytogenetic location: 8q22.2.
Variant type: single nucleotide variant.
Coding change: c.6046+8A>G on transcript NM_152564.5 (MANE Select); 8 bases into the intron after coding-DNA position 6046, A replaced by G.
Molecular consequence: intron variant.
Genome position (GRCh38, 1-based): chr8:99,661,499, A>G. VCF-style: chr8-99661499-A-G. GRCh37 (hg19) VCF-style: chr8-100673727-A-G.
Other names: c.6046+8A>G (NM_152564.4); c.6121+8A>G (NM_017890.5).
Identifiers: ClinVar variation 2694123 (VCV002694123.4), dbSNP rs2491290508, ClinGen allele CA2688067087.